The following is an entry in ClinVar:

ClinVar aggregate classification (germline): Likely benign (1 of 4 stars; one submission).

Conditions:
D2HGDH-related disorder. Also called: D2HGDH-related condition.

gnomAD v4.1: 6 of 1,613,912 alleles (0.00037%); highest among the groups gnomAD compares: African/African-American, 0.0013%; no homozygotes.

Submission:

PreventionGenetics, part of Exact Sciences
Classification: Likely benign for D2HGDH-related condition. Last evaluated: 2025-10-14. Review status: criteria provided, single submitter. Criteria: ACMG Guidelines, 2015. Collection method: clinical testing. Allele origin: germline.
Comment: This variant is classified as likely benign based on ACMG/AMP sequence variant interpretation guidelines (Richards et al. 2015 PMID: 25741868, with internal and published modifications).

NM_152783.5(D2HGDH):c.1020C>T (p.Ile340=)

Gene: D2HGDH (D-2-hydroxyglutarate dehydrogenase; plus strand). Cytogenetic location: 2q37.3.
Variant type: single nucleotide variant.
Coding change: c.1020C>T on transcript NM_152783.5 (MANE Select); coding-DNA position 1020, C replaced by T.
Protein change: p.Ile340=; no amino-acid change (isoleucine 340 retained).
Molecular consequence: synonymous variant.
Genome position (GRCh38, 1-based): chr2:241,751,268, C>T. VCF-style: chr2-241751268-C-T. GRCh37 (hg19) VCF-style: chr2-242690683-C-T.
Other names: c.618C>T, p.Ile206= (NM_001287249.2); c.459C>T, p.Ile153= (NM_001352824.2).
Identifiers: ClinVar variation 4999659 (VCV004999659.1).
Genomic context (GRCh38, chr2:241,751,268, plus strand): 5'-GAGCCTCTGCTCACTCTGCCTTCCTTGCTCACTTCTAGAGAGTCCGTTTTACGTCCTCAT[C>T]GAGACTTCAGGCTCCAACGCAGGCCATGACGCTGAGAAGCTGGGCCACTTCCTGGAGCAC-3'
Protein context (NP_689996.4, residues 330-350): PVQESPFYVL[Ile340=]ETSGSNAGHD